The following is an entry in ClinVar:

NM_004006.3(DMD):c.6986del (p.Lys2329fs)

Gene: DMD (dystrophin; minus strand). Cytogenetic location: Xp21.1.
Variant type: Deletion.
Coding change: c.6986del on transcript NM_004006.3 (MANE Select); coding-DNA position 6986, one base deleted (A; older notation c.6986delA).
Protein change: p.Lys2329fs; shifts the reading frame from lysine 2329.
Molecular consequence: frameshift variant. On other transcripts: 5 prime UTR variant (5).
Genome position (GRCh38, 1-based): chrX:31,875,300, T deleted on the plus strand (A on the coding strand, the reverse complement: DMD is on the minus strand); the first of 7 consecutive T bases (chrX:31,875,300-31,875,306); deleting any one gives the same sequence. VCF-style (leftmost placement, unchanged base first): chrX-31875299-CT-C. GRCh37 (hg19) VCF-style: chrX-31893416-CT-C.
Other names: c.6962del, p.Lys2321fs (NM_000109.4); c.6974del, p.Lys2325fs (NM_004009.3); c.6617del, p.Lys2206fs (NM_004010.3); c.2963del, p.Lys988fs (NM_004011.4); c.2954del, p.Lys985fs (NM_004012.4); c.-395del (NM_004013.3, NM_004020.4, NM_004021.3 and 2 more transcripts); c.6986delA (NM_004006.2); short protein forms K2321fs, K2206fs, K988fs, K2325fs, K2329fs, K985fs.
Identifiers: ClinVar variation 455927 (VCV000455927.13), dbSNP rs398124040, ClinGen allele CA515859535.

ClinVar aggregate classification (germline): Pathogenic. Review status: criteria provided, multiple submitters, no conflicts (2 of 4 stars). 2 submissions from 2 submitters: Pathogenic (2). Last evaluated 2021-09-18.

Conditions:
Duchenne muscular dystrophy (DMD). Also called: MUSCULAR DYSTROPHY, PSEUDOHYPERTROPHIC PROGRESSIVE, DUCHENNE TYPE; Duchenne Muscular Dystrophy (DMD). Identifiers: Orphanet 98896, MedGen C0013264, MONDO:0010679, OMIM 310200.

Submissions (2):

Labcorp Genetics (formerly Invitae), Labcorp
Classification: Pathogenic for Duchenne muscular dystrophy. Last evaluated: 2021-09-18. Review status: criteria provided, single submitter. Criteria: Invitae Variant Classification Sherloc (09022015). Collection method: clinical testing. Allele origin: germline.
Comment: This sequence change creates a premature translational stop signal (p.Lys2329Serfs*9) in the DMD gene. It is expected to result in an absent or disrupted protein product. Loss-of-function variants in DMD are known to be pathogenic (PMID: 16770791, 25007885). This variant is not present in population databases (ExAC no frequency). This premature translational stop signal has been observed in individuals with Duchenne muscular dystrophy (PMID: 2136098, 9067763, 26911353). This variant is also known as c.7188delA. ClinVar contains an entry for this variant (Variation ID: 455927). For these reasons, this variant has been classified as Pathogenic.

Eurofins Ntd Llc (ga)
Classification: Pathogenic. Last evaluated: 2017-03-31. Review status: criteria provided, single submitter. Criteria: EGL Classification Definitions 2015. Collection method: clinical testing. Allele origin: germline. Observed: 1 variant allele, 1 hemizygote.

Literature cited by the submitters: PubMed 16770791 (cited by Labcorp Genetics (formerly Invitae), Labcorp); PubMed 25007885 (cited by Labcorp Genetics (formerly Invitae), Labcorp); PubMed 2136098 (cited by Labcorp Genetics (formerly Invitae), Labcorp); PubMed 9067763 (cited by Labcorp Genetics (formerly Invitae), Labcorp); PubMed 26911353 (cited by Labcorp Genetics (formerly Invitae), Labcorp).